The following is an entry in ClinVar:

ClinVar aggregate classification (germline): Conflicting classifications of pathogenicity. Review status: criteria provided, conflicting classifications (1 of 4 stars). 3 submissions from 3 submitters: Uncertain significance (2); Likely benign (1). Last evaluated 2026-01-02.

Conditions:
Hereditary cancer-predisposing syndrome. Also called: Neoplastic Syndromes, Hereditary; Hereditary Cancer Syndrome; Hereditary neoplastic syndrome; Tumor predisposition. Identifiers: Orphanet 140162, MedGen C0027672, MeSH D009386, MONDO:0015356.
Hereditary breast ovarian cancer syndrome. Also called: Hereditary breast and/or ovarian cancer syndrome; Breast and ovarian cancer; BRCA1- and BRCA2-Associated Hereditary Breast and Ovarian Cancer; Hereditary breast and ovarian cancer syndrome; Hereditary breast and ovarian cancer syndrome (HBOC); Hereditary breast and ovarian cancer. Identifiers: Orphanet 145, MedGen C0677776, MeSH D061325, MONDO:0003582. Disease mechanism: loss of function.

Submissions (3):

Labcorp Genetics (formerly Invitae), Labcorp
Classification: Uncertain significance for Hereditary breast ovarian cancer syndrome. Last evaluated: 2026-01-02. Review status: criteria provided, single submitter. Criteria: Invitae Variant Classification Sherloc (09022015). Collection method: clinical testing. Allele origin: germline.
Comment: This sequence change replaces serine, which is neutral and polar, with threonine, which is neutral and polar, at codon 1064 of the BRCA1 protein (p.Ser1064Thr). This variant is not present in population databases (gnomAD no frequency). This variant has not been reported in the literature in individuals affected with BRCA1-related conditions. ClinVar contains an entry for this variant (Variation ID: 1058334). Invitae Evidence Modeling of protein sequence and biophysical properties (such as structural, functional, and spatial information, amino acid conservation, physicochemical variation, residue mobility, and thermodynamic stability) has been performed for this missense variant. However, the output from this modeling did not meet the statistical confidence thresholds required to predict the impact of this variant on BRCA1 protein function. In summary, the available evidence is currently insufficient to determine the role of this variant in disease. Therefore, it has been classified as a Variant of Uncertain Significance.

Ambry Genetics
Classification: Uncertain significance for Hereditary cancer-predisposing syndrome. Last evaluated: 2023-07-29. Review status: criteria provided, single submitter. Criteria: Ambry Variant Classification Scheme 2023. Collection method: clinical testing. Allele origin: germline.
Comment: The p.S1064T variant (also known as c.3191G>C), located in coding exon 9 of the BRCA1 gene, results from a G to C substitution at nucleotide position 3191. The serine at codon 1064 is replaced by threonine, an amino acid with similar properties. This amino acid position is well conserved in available vertebrate species. In addition, the in silico prediction for this alteration is inconclusive. Since supporting evidence is limited at this time, the clinical significance of this alteration remains unclear.

University of Washington Department of Laboratory Medicine, University of Washington
Classification: Likely benign for Hereditary cancer-predisposing syndrome. Last evaluated: 2023-03-23. Review status: criteria provided, single submitter. Criteria: Dines et al. (Genet Med. 2020). Collection method: curation. Allele origin: germline.
Comment: Missense variant in a coldspot region where missense variants are very unlikely to be pathogenic (PMID:31911673).

BRCA1 coldspot (exon 11 using historical exon numbering). Reclassification based on statistical prior probability

NM_007294.4(BRCA1):c.3191G>C (p.Ser1064Thr)

Gene: BRCA1 (BRCA1 DNA repair associated; minus strand). Cytogenetic location: 17q21.31.
Variant type: single nucleotide variant.
Coding change: c.3191G>C on transcript NM_007294.4 (MANE Select); coding-DNA position 3191, G replaced by C.
Protein change: p.Ser1064Thr; replaces serine 1064 with threonine.
Molecular consequence: missense variant. On other transcripts: intron variant (137).
Genome position (GRCh38, 1-based): chr17:43,092,340, C>G on the plus strand (G>C on the coding strand, the complement: BRCA1 is on the minus strand). VCF-style: chr17-43092340-C-G. GRCh37 (hg19) VCF-style: chr17-41244357-C-G.
Other names: c.2978G>C, p.Ser993Thr (NM_001407571.1, NM_001407853.1, NM_001407894.1 and 9 more transcripts); c.3191G>C, p.Ser1064Thr (NM_001407581.1, NM_001407582.1, NM_001407583.1 and 30 more transcripts); c.3188G>C, p.Ser1063Thr (NM_001407587.1, NM_001407590.1, NM_001407591.1 and 22 more transcripts); c.3182G>C, p.Ser1061Thr (NM_001407646.1, NM_001407647.1); c.3068G>C, p.Ser1023Thr (NM_001407648.1, NM_001407664.1, NM_001407665.1 and 19 more transcripts); c.3065G>C, p.Ser1022Thr (NM_001407649.1, NM_001407670.1, NM_001407671.1 and 11 more transcripts); c.3113G>C, p.Ser1038Thr (NM_001407653.1, NM_001407654.1, NM_001407655.1 and 4 more transcripts); c.3110G>C, p.Ser1037Thr (NM_001407659.1, NM_001407660.1, NM_001407661.1 and 1 more transcripts); and 41 more; short protein forms S1017T, S1064T, S1023T, S768T, S937T, S993T, S1037T, S1063T.
Identifiers: ClinVar variation 1058334 (VCV001058334.13), dbSNP rs2154337756, ClinGen allele CA10595605.